The following is an entry in ClinVar:

NM_001845.6(COL4A1):c.211C>T (p.Pro71Ser)

Gene: COL4A1 (collagen type IV alpha 1 chain; minus strand). Cytogenetic location: 13q34.
Variant type: single nucleotide variant.
Coding change: c.211C>T on transcript NM_001845.6 (MANE Select); coding-DNA position 211, C replaced by T.
Protein change: p.Pro71Ser; replaces proline 71 with serine.
Molecular consequence: missense variant.
Genome position (GRCh38, 1-based): chr13:110,213,949, G>A on the plus strand (C>T on the coding strand, the complement: COL4A1 is on the minus strand). VCF-style: chr13-110213949-G-A. GRCh37 (hg19) VCF-style: chr13-110866296-G-A.
Other names: c.211C>T, p.Pro71Ser (NM_001303110.2); short protein forms P71S.
Identifiers: ClinVar variation 3688428 (VCV003688428.2).
Genomic context (GRCh38, chr13:110,213,949, plus strand): 5'-TACATCCACCCACCCCCAATCCCACAGCCGTGCTTACCTTTTGTCCTGGTGGTCCCTGTG[G>A]CCCCTCAGGTCCTTGCATTCCAGGAAACCCAATGACACCTTGTAACCCCGGGAGGCCTCT-3'
Protein context (NP_001836.3, residues 61-81): GFPGMQGPEG[Pro71Ser]QGPPGQKGDT

ClinVar aggregate classification (germline): Uncertain significance (1 of 4 stars; one submission).

Submission:

Labcorp Genetics (formerly Invitae), Labcorp
Classification: Uncertain significance. Last evaluated: 2024-07-06. Review status: criteria provided, single submitter. Criteria: Invitae Variant Classification Sherloc (09022015). Collection method: clinical testing. Allele origin: germline.
Comment: This sequence change replaces proline, which is neutral and non-polar, with serine, which is neutral and polar, at codon 71 of the COL4A1 protein (p.Pro71Ser). This variant is not present in population databases (gnomAD no frequency). This variant has not been reported in the literature in individuals affected with COL4A1-related conditions. Advanced modeling of protein sequence and biophysical properties (such as structural, functional, and spatial information, amino acid conservation, physicochemical variation, residue mobility, and thermodynamic stability) has been performed at Invitae for this missense variant, however the output from this modeling did not meet the statistical confidence thresholds required to predict the impact of this variant on COL4A1 protein function. In summary, the available evidence is currently insufficient to determine the role of this variant in disease. Therefore, it has been classified as a Variant of Uncertain Significance.